The following is an entry in ClinVar:

ClinVar aggregate classification (germline): Uncertain significance (1 of 4 stars; one submission).

Conditions:
3-methylcrotonyl-CoA carboxylase 1 deficiency (MCC1D). Also called: MCC 1 deficiency; 3 Alpha methylcrotonylglycinuria 1; MCCD TYPE 1; METHYLCROTONYLGLYCINURIA TYPE I. Identifiers: Orphanet 6, MedGen CN028786, MONDO:0008861, OMIM 210200.

Allele frequency attached by ClinVar (database versions not stated): gnomAD exomes below 0.00001; gnomAD 0.00001.
gnomAD v4.1: 3 of 1,613,540 alleles (0.00019%); highest among the groups gnomAD compares: African/African-American, 0.0027%; no homozygotes.

Submission:

Labcorp Genetics (formerly Invitae), Labcorp
Classification: Uncertain significance for 3-methylcrotonyl-CoA carboxylase 1 deficiency. Last evaluated: 2021-03-27. Review status: criteria provided, single submitter. Criteria: Invitae Variant Classification Sherloc (09022015). Collection method: clinical testing. Allele origin: germline.
Comment: In summary, the available evidence is currently insufficient to determine the role of this variant in disease. Therefore, it has been classified as a Variant of Uncertain Significance. Nucleotide substitutions within the consensus splice site are a relatively common cause of aberrant splicing (PMID: 17576681, 9536098). Algorithms developed to predict the effect of sequence changes on RNA splicing suggest that this variant may disrupt the consensus splice site, but this prediction has not been confirmed by published transcriptional studies. Algorithms developed to predict the effect of missense changes on protein structure and function are either unavailable or do not agree on the potential impact of this missense change (SIFT: "Tolerated"; PolyPhen-2: "Probably Damaging"; Align-GVGD: "Class C0"). This variant has not been reported in the literature in individuals with MCCC1-related conditions. This variant is not present in population databases (ExAC no frequency). This sequence change replaces serine with asparagine at codon 164 of the MCCC1 protein (p.Ser164Asn). The serine residue is highly conserved and there is a small physicochemical difference between serine and asparagine. This variant also falls at the last nucleotide of exon 5, which is part of the consensus splice site for this exon.

Literature cited by the submitters: PubMed 17576681; PubMed 9536098.

NM_020166.5(MCCC1):c.491G>A (p.Ser164Asn)

Gene: MCCC1 (methylcrotonyl-CoA carboxylase subunit 1; minus strand). Cytogenetic location: 3q27.1.
Variant type: single nucleotide variant.
Coding change: c.491G>A on transcript NM_020166.5 (MANE Select); coding-DNA position 491, G replaced by A.
Protein change: p.Ser164Asn; replaces serine 164 with asparagine.
Molecular consequence: missense variant. On other transcripts: non-coding transcript variant (2), intron variant (1).
Genome position (GRCh38, 1-based): chr3:183,072,366, C>T on the plus strand (G>A on the coding strand, the complement: MCCC1 is on the minus strand). VCF-style: chr3-183072366-C-T. GRCh37 (hg19) VCF-style: chr3-182790154-C-T.
Other names: c.164G>A, p.Ser55Asn (NM_001363880.1); c.141-1009G>A (NM_001293273.2); short protein forms S55N, S164N.
Identifiers: ClinVar variation 1439219 (VCV001439219.6), dbSNP rs1055095015, ClinGen allele CA88717651.
Genomic context (GRCh38, chr3:183,072,366, plus strand): 5'-GGCCCAAACTATTTCAACTGACCTTCATACAGTTATATTTTAAAAGATATAAACTCATAC[C>T]TCTTTATACCCATGTCTCTAATTGCAGATGGAGGAGGGCCTATAAAAATAATTCCTTCTT-3'
Protein context (NP_064551.3, residues 154-174): PSAIRDMGIK[Ser164Asn]TSKSIMAAAG